The following is an entry in ClinVar:

NM_016628.5(WAC):c.1624G>A (p.Val542Ile)

Gene: WAC (WW domain containing adaptor with coiled-coil; plus strand). Cytogenetic location: 10p12.1.
Variant type: single nucleotide variant.
Coding change: c.1624G>A on transcript NM_016628.5 (MANE Select); coding-DNA position 1624, G replaced by A.
Protein change: p.Val542Ile; replaces valine 542 with isoleucine.
Molecular consequence: missense variant.
Genome position (GRCh38, 1-based): chr10:28,616,240, G>A. VCF-style: chr10-28616240-G-A. GRCh37 (hg19) VCF-style: chr10-28905169-G-A.
Other names: c.1489G>A, p.Val497Ile (NM_100264.3); c.1315G>A, p.Val439Ile (NM_100486.4); short protein forms V439I, V542I, V497I.
Identifiers: ClinVar variation 2511028 (VCV002511028.3), dbSNP rs200849182, ClinGen allele CA5455113.
Genomic context (GRCh38, chr10:28,616,240, plus strand): 5'-AGAAGTCCATCACCTGGTCCCAATCATACTTCTAATAGTAGTAATGCATCAAATGCAACA[G>A]TTGTACCACAGAATTCTTCTGCCCGATCCACGTGTTCATTAACGCCTGCACTAGCAGCAC-3'
Protein context (NP_057712.2, residues 532-552): SNSSNASNAT[Val542Ile]VPQNSSARST

ClinVar aggregate classification (germline): Conflicting classifications of pathogenicity. Review status: criteria provided, conflicting classifications (1 of 4 stars). 2 submissions from 2 submitters: Uncertain significance (1); Likely benign (1). Last evaluated 2023-10-10.

Conditions:
Inborn genetic diseases. Identifiers: MedGen C0950123, MeSH D030342.
WAC-related disorder. Also called: WAC-related condition.

Allele frequency attached by ClinVar (database versions not stated): ExAC 0.00002; TOPMed 0.00008; gnomAD 0.00010.
gnomAD v4.1: 190 of 1,613,844 alleles (0.012%); highest among the groups gnomAD compares: Non-Finnish European, 0.015%; no homozygotes.

Submissions (2):

PreventionGenetics, part of Exact Sciences
Classification: Uncertain significance for WAC-related condition. Last evaluated: 2023-10-10. Review status: criteria provided, single submitter. Criteria: ACMG Guidelines, 2015. Collection method: clinical testing. Allele origin: germline.
Comment: The WAC c.1624G>A variant is predicted to result in the amino acid substitution p.Val542Ile. To our knowledge, this variant has not been reported in the literature. This variant is reported in 0.010% of alleles in individuals of European (Non-Finnish) descent in gnomAD. At this time, the clinical significance of this variant is uncertain due to the absence of conclusive functional and genetic evidence.

Ambry Genetics
Classification: Likely benign for Inborn genetic diseases. Last evaluated: 2023-05-24. Review status: criteria provided, single submitter. Criteria: Ambry Variant Classification Scheme 2023. Collection method: clinical testing. Allele origin: germline.